The following is an entry in ClinVar:

ClinVar aggregate classification (germline): Uncertain significance. Review status: criteria provided, multiple submitters, no conflicts (2 of 4 stars). 2 submissions from 2 submitters: Uncertain significance (2). Last evaluated 2025-10-01.

Conditions:
Renal cell carcinoma. Identifiers: Orphanet 217071, MedGen C0007134, MeSH D002292, MONDO:0005086, HP:0005584.
Hereditary cancer-predisposing syndrome. Also called: Hereditary Cancer Syndrome; Hereditary neoplastic syndrome; Neoplastic Syndromes, Hereditary; Tumor predisposition. Identifiers: Orphanet 140162, MedGen C0027672, MeSH D009386, MONDO:0015356.

Submissions (2):

Labcorp Genetics (formerly Invitae), Labcorp
Classification: Uncertain significance for Renal cell carcinoma. Last evaluated: 2025-10-01. Review status: criteria provided, single submitter. Criteria: Invitae Variant Classification Sherloc (09022015). Collection method: clinical testing. Allele origin: germline.
Comment: This sequence change replaces tyrosine, which is neutral and polar, with cysteine, which is neutral and slightly polar, at codon 321 of the MET protein (p.Tyr321Cys). This variant is not present in population databases (gnomAD no frequency). This variant has not been reported in the literature in individuals affected with MET-related conditions. ClinVar contains an entry for this variant (Variation ID: 1920836). Invitae Evidence Modeling of protein sequence and biophysical properties (such as structural, functional, and spatial information, amino acid conservation, physicochemical variation, residue mobility, and thermodynamic stability) indicates that this missense variant is expected to disrupt MET protein function with a positive predictive value of 80%. In summary, the available evidence is currently insufficient to determine the role of this variant in disease. Therefore, it has been classified as a Variant of Uncertain Significance.

Ambry Genetics
Classification: Uncertain significance for Hereditary cancer-predisposing syndrome. Last evaluated: 2023-12-11. Review status: criteria provided, single submitter. Criteria: Ambry Variant Classification Scheme 2023. Collection method: clinical testing. Allele origin: germline.
Comment: The p.Y321C variant (also known as c.962A>G), located in coding exon 1 of the MET gene, results from an A to G substitution at nucleotide position 962. The tyrosine at codon 321 is replaced by cysteine, an amino acid with highly dissimilar properties. This amino acid position is well conserved in available vertebrate species. In addition, the in silico prediction for this alteration is inconclusive. Since supporting evidence is limited at this time, the clinical significance of this alteration remains unclear.

NM_000245.4(MET):c.962A>G (p.Tyr321Cys)

Gene: MET (MET proto-oncogene, receptor tyrosine kinase; plus strand). Cytogenetic location: 7q31.2.
Variant type: single nucleotide variant.
Coding change: c.962A>G on transcript NM_000245.4 (MANE Select); coding-DNA position 962, A replaced by G.
Protein change: p.Tyr321Cys; replaces tyrosine 321 with cysteine.
Molecular consequence: missense variant. On other transcripts: intron variant (1).
Genome position (GRCh38, 1-based): chr7:116,700,046, A>G. VCF-style: chr7-116700046-A-G. GRCh37 (hg19) VCF-style: chr7-116340100-A-G.
Other names: c.962A>G, p.Tyr321Cys (NM_001127500.3, NM_001324401.3); c.-91+27469A>G (NM_001324402.2); short protein forms Y321C.
Identifiers: ClinVar variation 1920836 (VCV001920836.6), dbSNP rs2116601951, ClinGen allele CA368970241.